The following is an entry in ClinVar:

NM_000246.4(CIITA):c.1303C>T (p.Arg435Trp)

Gene: CIITA (class II major histocompatibility complex transactivator; plus strand). Cytogenetic location: 16p13.13.
Variant type: single nucleotide variant.
Coding change: c.1303C>T on transcript NM_000246.4 (MANE Select); coding-DNA position 1303, C replaced by T.
Protein change: p.Arg435Trp; replaces arginine 435 with tryptophan.
Molecular consequence: missense variant. On other transcripts: intron variant (1).
Genome position (GRCh38, 1-based): chr16:10,906,795, C>T. VCF-style: chr16-10906795-C-T. GRCh37 (hg19) VCF-style: chr16-11000652-C-T.
Other names: c.1306C>T, p.Arg436Trp (NM_001286402.1, NM_001379332.1); c.1159C>T, p.Arg387Trp (NM_001379330.1); c.1156C>T, p.Arg386Trp (NM_001379331.1); c.1303C>T, p.Arg435Trp (NM_001379333.1); c.1234C>T, p.Arg412Trp (NM_001379334.1); c.859+1983C>T (NM_001286403.2); short protein forms R386W, R412W, R435W, R436W, R387W.
Identifiers: ClinVar variation 2158873 (VCV002158873.1), dbSNP rs763739028, ClinGen allele CA277745117.

ClinVar aggregate classification (germline): Uncertain significance (1 of 4 stars; one submission).

Conditions:
MHC class II deficiency. Also called: Bare lymphocyte syndrome 2; BLS, TYPE II. Identifiers: Orphanet 572, MedGen C5447452, MONDO:0008855.

Allele frequency attached by ClinVar (database versions not stated): TOPMed 0.00001.
gnomAD v4.1: 14 of 1,612,138 alleles (0.00087%); highest among the groups gnomAD compares: East Asian, 0.0022%; no homozygotes.

Submission:

Labcorp Genetics (formerly Invitae), Labcorp
Classification: Uncertain significance for MHC class II deficiency. Last evaluated: 2021-08-13. Review status: criteria provided, single submitter. Criteria: Invitae Variant Classification Sherloc (09022015). Collection method: clinical testing. Allele origin: germline.
Comment: This sequence change replaces arginine with tryptophan at codon 435 of the CIITA protein (p.Arg435Trp). The arginine residue is weakly conserved and there is a moderate physicochemical difference between arginine and tryptophan. This variant is not present in population databases (ExAC no frequency). This variant has not been reported in the literature in individuals affected with CIITA-related conditions. Algorithms developed to predict the effect of missense changes on protein structure and function output the following: SIFT: "Deleterious"; PolyPhen-2: "Benign"; Align-GVGD: "Class C0". The tryptophan amino acid residue is found in multiple mammalian species, which suggests that this missense change does not adversely affect protein function. In summary, the available evidence is currently insufficient to determine the role of this variant in disease. Therefore, it has been classified as a Variant of Uncertain Significance.